The following is an entry in ClinVar:

NM_001101426.4(CRPPA):c.776C>T (p.Pro259Leu)

Gene: CRPPA (CDP-L-ribitol pyrophosphorylase A; minus strand). Cytogenetic location: 7p21.2.
Variant type: single nucleotide variant.
Coding change: c.776C>T on transcript NM_001101426.4 (MANE Select); coding-DNA position 776, C replaced by T.
Protein change: p.Pro259Leu; replaces proline 259 with leucine.
Molecular consequence: missense variant. On other transcripts: intron variant (1).
Genome position (GRCh38, 1-based): chr7:16,308,536, G>A on the plus strand (C>T on the coding strand, the complement: CRPPA is on the minus strand). VCF-style: chr7-16308536-G-A. GRCh37 (hg19) VCF-style: chr7-16348161-G-A.
Other names: c.626C>T, p.Pro209Leu (NM_001101417.4); c.685-7070C>T (NM_001368197.1); short protein forms P259L, P209L.
Identifiers: ClinVar variation 473157 (VCV000473157.14), dbSNP rs369193825, ClinGen allele CA4169507.

ClinVar aggregate classification (germline): Uncertain significance. Review status: criteria provided, multiple submitters, no conflicts (2 of 4 stars). 3 submissions from 3 submitters: Uncertain significance (3). Last evaluated 2025-02-21.

Conditions:
Autosomal recessive limb-girdle muscular dystrophy type 2U. Also called: MUSCULAR DYSTROPHY, LIMB-GIRDLE, TYPE 2U; Muscular dystrophy-dystroglycanopathy (limb-girdle), type c, 7. Identifiers: Orphanet 352479, MedGen C5190987, MONDO:0014474, OMIM 616052.
Muscular dystrophy-dystroglycanopathy (congenital with brain and eye anomalies), type A, 7. Also called: WALKER-WARBURG SYNDROME OR MUSCLE-EYE-BRAIN DISEASE, ISPD-RELATED; Congenital muscular dystrophy-dystroglycanopathy with brain and eye anomalies, type A7. Identifiers: Orphanet 899, MedGen C3553330, MONDO:0013835, OMIM 614643.

Allele frequency attached by ClinVar (database versions not stated): ESP Exome Variant Server 0.00008; gnomAD 0.00008 and 0.00009; gnomAD exomes 0.00001 and 0.00003; TOPMed 0.00013.
gnomAD v4.1: 27 of 1,597,178 alleles (0.0017%); highest among the groups gnomAD compares: African/African-American, 0.035%; no homozygotes.

Submissions (3):

Ambry Genetics
Classification: Uncertain significance. Last evaluated: 2025-02-21. Review status: criteria provided, single submitter. Criteria: Ambry Variant Classification Scheme 2023. Collection method: clinical testing. Allele origin: germline.

Labcorp Genetics (formerly Invitae), Labcorp
Classification: Uncertain significance for Muscular dystrophy-dystroglycanopathy (congenital with brain and eye anomalies), type A, 7; Autosomal recessive limb-girdle muscular dystrophy type 2U. Last evaluated: 2023-08-02. Review status: criteria provided, single submitter. Criteria: Invitae Variant Classification Sherloc (09022015). Collection method: clinical testing. Allele origin: germline.
Comment: This sequence change replaces proline, which is neutral and non-polar, with leucine, which is neutral and non-polar, at codon 259 of the ISPD protein (p.Pro259Leu). This variant is present in population databases (rs369193825, gnomAD 0.04%). This variant has not been reported in the literature in individuals affected with ISPD-related conditions. ClinVar contains an entry for this variant (Variation ID: 473157). Advanced modeling of protein sequence and biophysical properties (such as structural, functional, and spatial information, amino acid conservation, physicochemical variation, residue mobility, and thermodynamic stability) performed at Invitae indicates that this missense variant is not expected to disrupt ISPD protein function. In summary, the available evidence is currently insufficient to determine the role of this variant in disease. Therefore, it has been classified as a Variant of Uncertain Significance.

Revvity Omics, Revvity
Classification: Uncertain significance. Last evaluated: 2019-05-22. Review status: criteria provided, single submitter. Criteria: ACMG Guidelines, 2015. Collection method: clinical testing. Allele origin: germline.